The following is an entry in ClinVar:

NM_000338.3(SLC12A1):c.1355G>C (p.Gly452Ala)

Gene: SLC12A1 (solute carrier family 12 member 1; plus strand). Cytogenetic location: 15q21.1.
Variant type: single nucleotide variant.
Coding change: c.1355G>C on transcript NM_000338.3 (MANE Select); coding-DNA position 1355, G replaced by C.
Protein change: p.Gly452Ala; replaces glycine 452 with alanine.
Molecular consequence: missense variant.
Genome position (GRCh38, 1-based): chr15:48,244,807, G>C. VCF-style: chr15-48244807-G-C. GRCh37 (hg19) VCF-style: chr15-48537004-G-C.
Other names: c.1355G>C (NM_000338.2); c.1355G>C, p.Gly452Ala (NM_001184832.2, NM_001384136.1); short protein forms G452A.
Identifiers: ClinVar variation 1039761 (VCV001039761.8), dbSNP rs1036163503, ClinGen allele CA269471272.

ClinVar aggregate classification (germline): Uncertain significance. Review status: criteria provided, multiple submitters, no conflicts (2 of 4 stars). 3 submissions from 3 submitters: Uncertain significance (3). Last evaluated 2025-10-28.

Conditions:
Inborn genetic diseases. Identifiers: MedGen C0950123, MeSH D030342.
Bartter disease type 1. Also called: Bartter Syndrome type 1; HYPOKALEMIC ALKALOSIS WITH HYPERCALCIURIA 1, ANTENATAL; HYPERPROSTAGLANDIN E SYNDROME 1; Bartter syndrome, type 1, antenatal. Identifiers: Orphanet 112, Orphanet 620217, MedGen C1866495, MONDO:0100344, OMIM 601678, MONDO:0011127.

Submissions (3):

Ambry Genetics
Classification: Uncertain significance for Inborn genetic diseases. Last evaluated: 2025-10-28. Review status: criteria provided, single submitter. Criteria: Ambry Variant Classification Scheme 2023. Collection method: clinical testing. Allele origin: germline.

Fulgent Genetics
Classification: Uncertain significance for Bartter disease type 1. Last evaluated: 2021-12-16. Review status: criteria provided, single submitter. Criteria: ACMG Guidelines, 2015. Collection method: clinical testing. Allele origin: unknown.

Labcorp Genetics (formerly Invitae), Labcorp
Classification: Uncertain significance. Last evaluated: 2021-08-13. Review status: criteria provided, single submitter. Criteria: Invitae Variant Classification Sherloc (09022015). Collection method: clinical testing. Allele origin: germline.
Comment: This sequence change replaces glycine with alanine at codon 452 of the SLC12A1 protein (p.Gly452Ala). The glycine residue is moderately conserved and there is a small physicochemical difference between glycine and alanine. This variant is not present in population databases (ExAC no frequency). This variant has not been reported in the literature in individuals affected with SLC12A1-related conditions. Algorithms developed to predict the effect of missense changes on protein structure and function output the following: SIFT: "Tolerated"; PolyPhen-2: "Benign"; Align-GVGD: "Class C0". The alanine amino acid residue is found in multiple mammalian species, which suggests that this missense change does not adversely affect protein function. In summary, the available evidence is currently insufficient to determine the role of this variant in disease. Therefore, it has been classified as a Variant of Uncertain Significance.